The following is an entry in ClinVar:

NM_005629.4(SLC6A8):c.1016+5G>A

Gene: SLC6A8 (solute carrier family 6 member 8; plus strand). Cytogenetic location: Xq28.
Variant type: single nucleotide variant.
Coding change: c.1016+5G>A on transcript NM_005629.4 (MANE Select); 5 bases into the intron after coding-DNA position 1016, G replaced by A.
Molecular consequence: intron variant.
Genome position (GRCh38, 1-based): chrX:153,693,371, G>A. VCF-style: chrX-153693371-G-A. GRCh37 (hg19) VCF-style: chrX-152958826-G-A.
Other names: c.1016+5G>A (NM_001142805.2); c.671+5G>A (NM_001142806.1).
Identifiers: ClinVar variation 1308703 (VCV001308703.2), dbSNP rs2148363009, ClinGen allele CA2573055138.

ClinVar aggregate classification (germline): Uncertain significance (1 of 4 stars; one submission).

Submission:

GeneDx
Classification: Uncertain significance. Last evaluated: 2019-10-01. Review status: criteria provided, single submitter. Criteria: GeneDx Variant Classification Process June 2021. Collection method: clinical testing. Allele origin: germline. Affected: yes.
Comment: Not observed in large population cohorts (Lek et al., 2016); Intronic +5 splice site variant in a gene for which loss-of-function is a known mechanism of disease; Has not been previously published as pathogenic or benign to our knowledge